The following is an entry in ClinVar:

NM_013432.5(TONSL):c.614G>A (p.Arg205His)

Gene: TONSL (tonsoku like, DNA repair protein; minus strand). Cytogenetic location: 8q24.3.
Variant type: single nucleotide variant.
Coding change: c.614G>A on transcript NM_013432.5 (MANE Select); coding-DNA position 614, G replaced by A.
Protein change: p.Arg205His; replaces arginine 205 with histidine.
Molecular consequence: missense variant.
Genome position (GRCh38, 1-based): chr8:144,442,377, C>T on the plus strand (G>A on the coding strand, the complement: TONSL is on the minus strand). VCF-style: chr8-144442377-C-T. GRCh37 (hg19) VCF-style: chr8-145667760-C-T.
Other names: short protein forms R205H.
Identifiers: ClinVar variation 3016023 (VCV003016023.1), dbSNP rs372177711, ClinGen allele CA4943573.

ClinVar aggregate classification (germline): Uncertain significance (1 of 4 stars; one submission).

Allele frequency attached by ClinVar (database versions not stated): TOPMed 0.00001; gnomAD exomes 0.00002; gnomAD 0.00003; ESP Exome Variant Server 0.00008; ExAC 0.00011.
gnomAD v4.1: 40 of 1,575,438 alleles (0.0025%); highest among the groups gnomAD compares: Middle Eastern, 0.034%; no homozygotes.

Submission:

Labcorp Genetics (formerly Invitae), Labcorp
Classification: Uncertain significance. Last evaluated: 2023-05-29. Review status: criteria provided, single submitter. Criteria: Invitae Variant Classification Sherloc (09022015). Collection method: clinical testing. Allele origin: germline.
Comment: In summary, the available evidence is currently insufficient to determine the role of this variant in disease. Therefore, it has been classified as a Variant of Uncertain Significance. Advanced modeling of protein sequence and biophysical properties (such as structural, functional, and spatial information, amino acid conservation, physicochemical variation, residue mobility, and thermodynamic stability) performed at Invitae indicates that this missense variant is expected to disrupt TONSL protein function. This variant has not been reported in the literature in individuals affected with TONSL-related conditions. This variant is present in population databases (rs372177711, gnomAD 0.04%). This sequence change replaces arginine, which is basic and polar, with histidine, which is basic and polar, at codon 205 of the TONSL protein (p.Arg205His).